The following is an entry in ClinVar:

NM_004656.4(BAP1):c.1817C>T (p.Ala606Val)

Gene: BAP1 (BRCA1 associated deubiquitinase 1; minus strand). Cytogenetic location: 3p21.1.
Variant type: single nucleotide variant.
Coding change: c.1817C>T on transcript NM_004656.4 (MANE Select); coding-DNA position 1817, C replaced by T.
Protein change: p.Ala606Val; replaces alanine 606 with valine.
Molecular consequence: missense variant.
Genome position (GRCh38, 1-based): chr3:52,403,211, G>A on the plus strand (C>T on the coding strand, the complement: BAP1 is on the minus strand). VCF-style: chr3-52403211-G-A. GRCh37 (hg19) VCF-style: chr3-52437227-G-A.
Other names: c.1763C>T, p.Ala588Val (NM_001410772.1); short protein forms A606V, A588V.
Identifiers: ClinVar variation 3987229 (VCV003987229.1).

ClinVar aggregate classification (germline): Uncertain significance (1 of 4 stars; one submission).

Conditions:
Hereditary cancer-predisposing syndrome. Also called: Tumor predisposition; Hereditary neoplastic syndrome; Neoplastic Syndromes, Hereditary; Hereditary Cancer Syndrome. Identifiers: Orphanet 140162, MedGen C0027672, MeSH D009386, MONDO:0015356.

Submission:

Ambry Genetics
Classification: Uncertain significance for Hereditary cancer-predisposing syndrome. Last evaluated: 2025-06-13. Review status: criteria provided, single submitter. Criteria: Ambry Variant Classification Scheme 2023. Collection method: clinical testing. Allele origin: germline.
Comment: The p.A606V variant (also known as c.1817C>T), located in coding exon 14 of the BAP1 gene, results from a C to T substitution at nucleotide position 1817. The alanine at codon 606 is replaced by valine, an amino acid with similar properties. This amino acid position is conserved. In addition, this alteration is predicted to be tolerated by in silico analysis. Based on the available evidence, the clinical significance of this variant remains unclear.